The following is an entry in ClinVar:

NM_030780.5(SLC25A32):c.180G>A (p.Pro60=)

Gene: SLC25A32 (solute carrier family 25 member 32; minus strand). Cytogenetic location: 8q22.3.
Variant type: single nucleotide variant.
Coding change: c.180G>A on transcript NM_030780.5 (MANE Select); coding-DNA position 180, G replaced by A.
Protein change: p.Pro60=; no amino-acid change (proline 60 retained).
Molecular consequence: synonymous variant. On other transcripts: non-coding transcript variant (2).
Genome position (GRCh38, 1-based): chr8:103,407,759, C>T on the plus strand (G>A on the coding strand, the complement: SLC25A32 is on the minus strand). VCF-style: chr8-103407759-C-T. GRCh37 (hg19) VCF-style: chr8-104419987-C-T.
Other names: c.180G>A (NM_030780.4).
Identifiers: ClinVar variation 1648285 (VCV001648285.10), dbSNP rs780204799, ClinGen allele CA4835541.

ClinVar aggregate classification (germline): Likely benign. Review status: criteria provided, single submitter (1 of 4 stars). 2 submissions from 2 submitters: Likely benign (1). 1 of the submissions does not count toward it. Last evaluated 2026-01-17.

Conditions:
SLC25A32-related disorder. Also called: SLC25A32-related condition.

Allele frequency attached by ClinVar (database versions not stated): gnomAD 0.00003 and 0.00005; ExAC 0.00004; TOPMed 0.00005.
gnomAD v4.1: 55 of 1,612,990 alleles (0.0034%); highest among the groups gnomAD compares: Middle Eastern, 0.033%; no homozygotes.

Submissions (2):

Labcorp Genetics (formerly Invitae), Labcorp
Classification: Likely benign. Last evaluated: 2026-01-17. Review status: criteria provided, single submitter. Criteria: Invitae Variant Classification Sherloc (09022015). Collection method: clinical testing. Allele origin: germline.

PreventionGenetics, part of Exact Sciences
Classification: Likely benign for SLC25A32-related condition. Last evaluated: 2019-02-19. Review status: no assertion criteria provided. Collection method: clinical testing. Allele origin: germline. Not counted in ClinVar's aggregate classification.
Comment: This variant is classified as likely benign based on ACMG/AMP sequence variant interpretation guidelines (Richards et al. 2015 PMID: 25741868, with internal and published modifications).